The following is an entry in ClinVar:

NM_022436.3(ABCG5):c.403-5T>A

Gene: ABCG5 (ATP binding cassette subfamily G member 5; minus strand). Cytogenetic location: 2p21.
Variant type: single nucleotide variant.
Coding change: c.403-5T>A on transcript NM_022436.3 (MANE Select); 5 bases into the intron before coding-DNA position 403, T replaced by A.
Molecular consequence: intron variant.
Genome position (GRCh38, 1-based): chr2:43,831,872, A>T on the plus strand (T>A on the coding strand, the complement: ABCG5 is on the minus strand). VCF-style: chr2-43831872-A-T. GRCh37 (hg19) VCF-style: chr2-44059011-A-T.
Other names: c.403-5T>A (NM_022436.2).
Identifiers: ClinVar variation 1308191 (VCV001308191.5), dbSNP rs549117301, ClinGen allele CA1636682.

ClinVar aggregate classification (germline): Uncertain significance. Review status: criteria provided, multiple submitters, no conflicts (2 of 4 stars). 3 submissions from 3 submitters: Uncertain significance (3). Last evaluated 2024-02-05.

Conditions:
Sitosterolemia 2. Identifiers: MedGen C5231453, MONDO:0020748, OMIM 618666.
Cardiovascular phenotype. Identifiers: MedGen CN230736.

Allele frequency attached by ClinVar (database versions not stated): ExAC 0.00011; 1000 Genomes Project 0.00060; 1000 Genomes Project 30x 0.00062.
gnomAD v4.1: 16 of 1,472,110 alleles (0.0011%); highest among the groups gnomAD compares: East Asian, 0.039%; no homozygotes.

Submissions (3):

Ambry Genetics
Classification: Uncertain significance for Cardiovascular phenotype. Last evaluated: 2024-02-05. Review status: criteria provided, single submitter. Criteria: Ambry Variant Classification Scheme 2023. Collection method: clinical testing. Allele origin: germline.
Comment: The c.403-5T>A intronic alteration consists of a T to A substitution 5 nucleotides before coding exon 4 in the ABCG5 gene. Based on insufficient or conflicting evidence, the clinical significance of this alteration remains unclear.

Revvity Omics, Revvity
Classification: Uncertain significance for Sitosterolemia 2. Last evaluated: 2022-08-18. Review status: criteria provided, single submitter. Criteria: ACMG Guidelines, 2015. Collection method: clinical testing. Allele origin: germline.

GeneDx
Classification: Uncertain significance. Last evaluated: 2019-08-26. Review status: criteria provided, single submitter. Criteria: GeneDx Variant Classification Process June 2021. Collection method: clinical testing. Allele origin: germline. Affected: yes.
Comment: Has not been previously published as pathogenic or benign to our knowledge; In-silico analysis, which includes splice predictors and evolutionary conservation, is inconclusive as to whether the variant alters gene splicing. In the absence of RNA/functional studies, the actual effect of this sequence change is unknown.